The following is an entry in ClinVar:

NM_033028.5(BBS4):c.656dup (p.Lys220fs)

Gene: BBS4 (Bardet-Biedl syndrome 4; plus strand). Cytogenetic location: 15q24.1.
Variant type: Duplication.
Coding change: c.656dup on transcript NM_033028.5 (MANE Select); coding-DNA position 656, one base duplicated (A; older notation c.656dupA).
Protein change: p.Lys220fs; shifts the reading frame from lysine 220.
Molecular consequence: frameshift variant. On other transcripts: non-coding transcript variant (2), intron variant (1).
Genome position (GRCh38, 1-based): chr15:72,729,629, A duplicated. VCF-style (leftmost placement, unchanged base first): chr15-72729628-C-CA. GRCh37 (hg19) VCF-style: chr15-73021969-C-CA.
Other names: c.140dup, p.Lys48fs (NM_001252678.2); c.642+1635dup (NM_001320665.2); short protein forms K48fs, K220fs.
Identifiers: ClinVar variation 2851981 (VCV002851981.3), dbSNP rs2542991354, ClinGen allele CA2739269563.

ClinVar aggregate classification (germline): Pathogenic (1 of 4 stars; one submission).

Conditions:
Bardet-Biedl syndrome (BBS). Identifiers: Orphanet 110, MedGen C0752166, MONDO:0015229.

Submission:

Labcorp Genetics (formerly Invitae), Labcorp
Classification: Pathogenic for Bardet-Biedl syndrome. Last evaluated: 2023-04-04. Review status: criteria provided, single submitter. Criteria: Invitae Variant Classification Sherloc (09022015). Collection method: clinical testing. Allele origin: germline.
Comment: This sequence change creates a premature translational stop signal (p.Lys220Glufs*4) in the BBS4 gene. It is expected to result in an absent or disrupted protein product. Loss-of-function variants in BBS4 are known to be pathogenic (PMID: 11381270, 12016587, 20177705, 27894351). This variant is not present in population databases (gnomAD no frequency). This variant has not been reported in the literature in individuals affected with BBS4-related conditions. For these reasons, this variant has been classified as Pathogenic.

Literature cited by the submitters: PubMed 11381270; PubMed 12016587; PubMed 20177705; PubMed 27894351.